The following is an entry in ClinVar:

ClinVar aggregate classification (germline): Uncertain significance (1 of 4 stars; one submission).

Conditions:
Inborn genetic diseases. Identifiers: MedGen C0950123, MeSH D030342.

Allele frequency attached by ClinVar (database versions not stated): gnomAD exomes below 0.00001.
gnomAD v4.1: 1 of 1,604,054 alleles (0.000062%); highest among the groups gnomAD compares: South Asian, 0.0011%; no homozygotes.

Submission:

Ambry Genetics
Classification: Uncertain significance for Inborn genetic diseases. Last evaluated: 2021-12-29. Review status: criteria provided, single submitter. Criteria: Ambry Variant Classification Scheme 2023. Collection method: clinical testing. Allele origin: germline.
Comment: The p.L365V variant (also known as c.1093C>G), located in coding exon 3 of the SLC52A2 gene, results from a C to G substitution at nucleotide position 1093. The leucine at codon 365 is replaced by valine, an amino acid with highly similar properties. This amino acid position is conserved. In addition, the in silico prediction for this alteration is inconclusive. Since supporting evidence is limited at this time, the clinical significance of this alteration remains unclear.

NM_001363118.2(SLC52A2):c.1093C>G (p.Leu365Val)

Gene: SLC52A2 (solute carrier family 52 member 2; plus strand). Cytogenetic location: 8q24.3.
Variant type: single nucleotide variant.
Coding change: c.1093C>G on transcript NM_001363118.2 (MANE Select); coding-DNA position 1093, C replaced by G.
Protein change: p.Leu365Val; replaces leucine 365 with valine.
Molecular consequence: missense variant. On other transcripts: non-coding transcript variant (1).
Genome position (GRCh38, 1-based): chr8:144,360,681, C>G. VCF-style: chr8-144360681-C-G. GRCh37 (hg19) VCF-style: chr8-145584341-C-G.
Other names: c.1093C>G, p.Leu365Val (NM_001253815.2, NM_001253816.2, NM_001363120.2 and 2 more transcripts); c.601C>G, p.Leu201Val (NM_001363122.2); c.829C>G, p.Leu277Val (NM_001410949.1); short protein forms L277V, L365V, L201V.
Identifiers: ClinVar variation 1789941 (VCV001789941.2), dbSNP rs1818820750, ClinGen allele CA372629128.
Genomic context (GRCh38, chr8:144,360,681, plus strand): 5'-CTGGGCGTGTTCTGTGGGGGCTACCTGATGGCGCTGGCAGTCCTGAGCCCCTGCCCGCCC[C>G]TGGTGGGCACCTCGGCGGGGGTGGTCCTCGTGGTGAGCACAGGGGGACATGAAGTGGGGT-3'
Protein context (NP_001350047.1, residues 355-375): ALAVLSPCPP[Leu365Val]VGTSAGVVLV